The following is an entry in ClinVar:

ClinVar aggregate classification (germline): Uncertain significance (1 of 4 stars; one submission).

Conditions:
Bardet-Biedl syndrome (BBS). Identifiers: Orphanet 110, MedGen C0752166, MONDO:0015229.

Submission:

Labcorp Genetics (formerly Invitae), Labcorp
Classification: Uncertain significance for Bardet-Biedl syndrome. Last evaluated: 2022-09-27. Review status: criteria provided, single submitter. Criteria: Invitae Variant Classification Sherloc (09022015). Collection method: clinical testing. Allele origin: germline.
Comment: This sequence change replaces aspartic acid, which is acidic and polar, with glutamic acid, which is acidic and polar, at codon 150 of the BBS9 protein (p.Asp150Glu). This variant is not present in population databases (gnomAD no frequency). This variant has not been reported in the literature in individuals affected with BBS9-related conditions. ClinVar contains an entry for this variant (Variation ID: 1061086). Advanced modeling of protein sequence and biophysical properties (such as structural, functional, and spatial information, amino acid conservation, physicochemical variation, residue mobility, and thermodynamic stability) performed at Invitae indicates that this missense variant is not expected to disrupt BBS9 protein function. In summary, the available evidence is currently insufficient to determine the role of this variant in disease. Therefore, it has been classified as a Variant of Uncertain Significance.

NM_198428.3(BBS9):c.450T>A (p.Asp150Glu)

Gene: BBS9 (Bardet-Biedl syndrome 9; plus strand). Cytogenetic location: 7p14.3.
Variant type: single nucleotide variant.
Coding change: c.450T>A on transcript NM_198428.3 (MANE Select); coding-DNA position 450, T replaced by A.
Protein change: p.Asp150Glu; replaces aspartic acid 150 with glutamic acid.
Molecular consequence: missense variant. On other transcripts: non-coding transcript variant (3).
Genome position (GRCh38, 1-based): chr7:33,257,243, T>A. VCF-style: chr7-33257243-T-A. GRCh37 (hg19) VCF-style: chr7-33296855-T-A.
Other names: c.450T>A, p.Asp150Glu (NM_001033604.2, NM_001033605.2, NM_001348036.1 and 5 more transcripts); c.84T>A, p.Asp28Glu (NM_001348037.3, NM_001348044.3, NM_001348045.3 and 1 more transcripts); c.177T>A, p.Asp59Glu (NM_001348038.3, NM_001348039.3); c.315T>A, p.Asp105Glu (NM_001348042.3); short protein forms D105E, D150E, D28E, D59E.
Identifiers: ClinVar variation 1061086 (VCV001061086.9), dbSNP rs2128312333, ClinGen allele CA367252689.